The following is an entry in ClinVar:

NM_182931.3(KMT2E):c.4688C>T (p.Ser1563Phe)

Gene: KMT2E (lysine methyltransferase 2E (inactive); plus strand). Cytogenetic location: 7q22.3.
Variant type: single nucleotide variant.
Coding change: c.4688C>T on transcript NM_182931.3 (MANE Select); coding-DNA position 4688, C replaced by T.
Protein change: p.Ser1563Phe; replaces serine 1563 with phenylalanine.
Molecular consequence: missense variant.
Genome position (GRCh38, 1-based): chr7:105,112,444, C>T. VCF-style: chr7-105112444-C-T. GRCh37 (hg19) VCF-style: chr7-104752891-C-T.
Other names: c.4562C>T, p.Ser1521Phe (NM_001410908.1); c.4688C>T, p.Ser1563Phe (NM_018682.4); short protein forms S1521F, S1563F.
Identifiers: ClinVar variation 3679606 (VCV003679606.2).
Genomic context (GRCh38, chr7:105,112,444, plus strand): 5'-CACCACCCCCTCCACCTCCTCCACCTCCTTCTTCGTCTTACTATCAAAACCAGCAGCCCT[C>T]TGCAAACTTTCAGAATTATAATCAGCTCAAAGGTAGTCTTTCTCAACAAACTGTGTTTAC-3'
Protein context (NP_891847.1, residues 1553-1573): SSSYYQNQQP[Ser1563Phe]ANFQNYNQLK

ClinVar aggregate classification (germline): Uncertain significance (1 of 4 stars; one submission).

gnomAD v4.1: 2 of 1,613,882 alleles (0.00012%); highest among the groups gnomAD compares: Non-Finnish European, 0.00017%; no homozygotes.

Submission:

Labcorp Genetics (formerly Invitae), Labcorp
Classification: Uncertain significance. Last evaluated: 2024-08-02. Review status: criteria provided, single submitter. Criteria: Invitae Variant Classification Sherloc (09022015). Collection method: clinical testing. Allele origin: germline.
Comment: This sequence change replaces serine, which is neutral and polar, with phenylalanine, which is neutral and non-polar, at codon 1563 of the KMT2E protein (p.Ser1563Phe). This variant is not present in population databases (gnomAD no frequency). This variant has not been reported in the literature in individuals affected with KMT2E-related conditions. An algorithm developed to predict the effect of missense changes on protein structure and function (PolyPhen-2) suggests that this variant is likely to be tolerated. In summary, the available evidence is currently insufficient to determine the role of this variant in disease. Therefore, it has been classified as a Variant of Uncertain Significance.